The following is an entry in ClinVar:

ClinVar aggregate classification (germline): Uncertain significance. Review status: criteria provided, multiple submitters, no conflicts (2 of 4 stars). 3 submissions from 3 submitters: Uncertain significance (3). Last evaluated 2023-06-26.

Conditions:
Hereditary cancer-predisposing syndrome. Also called: Hereditary neoplastic syndrome; Tumor predisposition; Neoplastic Syndromes, Hereditary; Hereditary Cancer Syndrome. Identifiers: Orphanet 140162, MedGen C0027672, MeSH D009386, MONDO:0015356.
Familial thoracic aortic aneurysm and aortic dissection (TAAD). Also called: Thoracic aortic aneurysms and dissections. Identifiers: Orphanet 91387, MedGen C4707243, MONDO:0019625.
Juvenile polyposis syndrome (JPS). Identifiers: Orphanet 2929, MedGen C0345893, MONDO:0017380, OMIM 174900.
Juvenile polyposis/hereditary hemorrhagic telangiectasia syndrome (JPHT). Also called: Juvenile Polyposis Syndrome / Hereditary Hemorrhagic Telangiectasia (JPS/HHT); JP/HHT SYNDROME; JUVENILE POLYPOSIS WITH HEREDITARY HEMORRHAGIC TELANGIECTASIA; POLYPOSIS, GENERALIZED JUVENILE, WITH PULMONARY ARTERIOVENOUS MALFORMATION; TELANGIECTASIA, HEREDITARY HEMORRHAGIC, WITH JUVENILE POLYPOSIS COLI. Identifiers: Orphanet 2929, MedGen C1832942, MONDO:0008278, OMIM 175050.

Allele frequency attached by ClinVar (database versions not stated): gnomAD exomes 0.00001.
gnomAD v4.1: 7 of 1,614,042 alleles (0.00043%); highest among the groups gnomAD compares: East Asian, 0.0022%; no homozygotes.

Submissions (3):

All of Us Research Program, National Institutes of Health
Classification: Uncertain significance for Juvenile polyposis/hereditary hemorrhagic telangiectasia syndrome. Last evaluated: 2023-06-26. Review status: criteria provided, single submitter. Criteria: ACMG Guidelines, 2015. Collection method: clinical testing. Allele origin: germline. Inheritance: Autosomal dominant inheritance. Observed: 1 variant allele, 1 heterozygote.
Comment: This missense variant replaces proline with alanine at codon 186 of the SMAD4 protein. Computational prediction suggests that this variant may not impact protein structure and function (internally defined REVEL score threshold <= 0.5, PMID: 27666373). To our knowledge, functional studies have not been reported for this variant. This variant has not been reported in individuals affected with SMAD4-related disorders in the literature. This variant has not been identified in the general population by the Genome Aggregation Database (gnomAD). The available evidence is insufficient to determine the role of this variant in disease conclusively. Therefore, this variant is classified as a Variant of Uncertain Significance.

This study involves interpretation of variants in research participants for the purpose of population health screening. Participant phenotype was not available at the time of variant classification. Additional details can be found in publication PMID: 35346344, PMCID: PMC8962531

Labcorp Genetics (formerly Invitae), Labcorp
Classification: Uncertain significance for Juvenile polyposis syndrome. Last evaluated: 2021-10-27. Review status: criteria provided, single submitter. Criteria: Invitae Variant Classification Sherloc (09022015). Collection method: clinical testing. Allele origin: germline.
Comment: This sequence change replaces proline, a(n) neutral and non-polar amino acid, with alanine, a(n) neutral and non-polar amino acid, at codon 186 of the SMAD4 protein (p.Pro186Ala). This variant is not present in population databases (gnomAD no frequency). This variant has not been reported in the literature in individuals affected with SMAD4-related conditions. ClinVar contains an entry for this variant (Variation ID: 484817). Advanced modeling of protein sequence and biophysical properties (such as structural, functional, and spatial information, amino acid conservation, physicochemical variation, residue mobility, and thermodynamic stability) performed at Invitae indicates that this missense variant is not expected to disrupt SMAD4 protein function. In summary, the available evidence is currently insufficient to determine the role of this variant in disease. Therefore, it has been classified as a Variant of Uncertain Significance.

Ambry Genetics
Classification: Uncertain significance for Hereditary cancer-predisposing syndrome; Familial thoracic aortic aneurysm and aortic dissection. Last evaluated: 2016-12-14. Review status: criteria provided, single submitter. Criteria: Ambry Variant Classification Scheme 2023. Collection method: clinical testing. Allele origin: germline.
Comment: The p.P186A variant (also known as c.556C>G), located in coding exon 4 of the SMAD4 gene, results from a C to G substitution at nucleotide position 556. The proline at codon 186 is replaced by alanine, an amino acid with highly similar properties. This amino acid position is highly conserved in available vertebrate species. In addition, the in silico prediction for this alteration is inconclusive. Since supporting evidence is limited at this time, the clinical significance of this alteration remains unclear.

NM_005359.6(SMAD4):c.556C>G (p.Pro186Ala)

Gene: SMAD4 (SMAD family member 4; plus strand). Cytogenetic location: 18q21.2.
Variant type: single nucleotide variant.
Coding change: c.556C>G on transcript NM_005359.6 (MANE Select); coding-DNA position 556, C replaced by G.
Protein change: p.Pro186Ala; replaces proline 186 with alanine.
Molecular consequence: missense variant.
Genome position (GRCh38, 1-based): chr18:51,054,882, C>G. VCF-style: chr18-51054882-C-G. GRCh37 (hg19) VCF-style: chr18-48581252-C-G.
Other names: short protein forms P186A.
Identifiers: ClinVar variation 484817 (VCV000484817.14), dbSNP rs1555685648, ClinGen allele CA402460951.